The following is an entry in ClinVar:

ClinVar aggregate classification (germline): Likely pathogenic (1 of 4 stars; one submission).

Conditions:
Neuronal ceroid lipofuscinosis 7 (CLN7). Also called: MFSD8-Related Neuronal Ceroid-Lipofuscinosis. Identifiers: Orphanet 168491, Orphanet 228366, MedGen C1838571, MONDO:0012588, OMIM 610951.

Submission:

Broad Center for Mendelian Genomics, Broad Institute of MIT and Harvard
Classification: Likely pathogenic for Neuronal ceroid lipofuscinosis 7. Last evaluated: 2018-12-03. Review status: criteria provided, single submitter. Criteria: ACMG Guidelines, 2015. Collection method: research. Allele origin: germline. Inheritance: Autosomal recessive inheritance. Affected: yes.
Comment: This variant is predicted to cause a frameshift, which alters the protein's amino acid sequence beginning at position 209 and leads to a premature termination codon 3 amino acids downstream. This alteration is then predicted to lead to a truncated or absent protein. Greater than 10% of pathogenic variants reported in association with Neuronal Ceroid Lipofuscinosis in ClinVar are loss of function variants, including at least three pathogenic loss of function variants across multiple exons. Loss of function of the MFSD8 gene is an established disease mechanism in autosomal recessive Neuronal Ceroid Lipofuscinosis. In summary, although additional studies are required to fully establish its clinical significance, this variant is likely pathogenic. ACMG/AMP Criteria applied: PM2, PVS1 (Richards 2015).

Literature cited by the submitters: PubMed 19177532.

NM_001371596.2(MFSD8):c.627_643del (p.Met209fs)

Gene: MFSD8 (major facilitator superfamily domain containing 8; minus strand). Cytogenetic location: 4q28.2.
Variant type: Deletion.
Coding change: c.627_643del on transcript NM_001371596.2 (MANE Select); coding-DNA positions 627 to 643, 17 bases deleted (GTATACAACACCAGTTT).
Protein change: p.Met209fs; shifts the reading frame from methionine 209.
Molecular consequence: frameshift variant. On other transcripts: intron variant (5).
Genome position (GRCh38, 1-based): chr4:127,939,908-127,939,924, AAACTGGTGTTGTATAC deleted on the plus strand (GTATACAACACCAGTTT on the coding strand, the reverse complement: MFSD8 is on the minus strand); deleting any 17 consecutive bases within chr4:127,939,908-127,939,925 gives the same sequence; the c. name uses the placement nearest the transcript's 3' end. VCF-style (leftmost placement, unchanged base first): chr4-127939907-AAAACTGGTGTTGTATAC-A. GRCh37 (hg19) VCF-style: chr4-128861062-AAAACTGGTGTTGTATAC-A.
Other names: c.492_508del, p.Met164fs (NM_001371590.2); c.627_643del, p.Met209fs (NM_001371591.2, NM_152778.4); c.633_649del, p.Met211fs (NM_001371592.2); c.513_529del, p.Met171fs (NM_001371593.2, NM_001410766.1); c.419-1088_419-1072del (NM_001371595.1); c.304+3828_304+3844del (NM_001410765.1); c.439+3828_439+3844del (NM_001363521.3); c.553+2121_553+2137del (NM_001363520.3); and 1 more; short protein forms M171fs, M209fs, M211fs, M164fs.
Identifiers: ClinVar variation 813897 (VCV000813897.3), dbSNP rs1578889355, ClinGen allele CA658820768.